The following is an entry in ClinVar:

NM_000138.5(FBN1):c.4867A>G (p.Ile1623Val)

Gene: FBN1 (fibrillin 1; minus strand). Cytogenetic location: 15q21.1.
Variant type: single nucleotide variant.
Coding change: c.4867A>G on transcript NM_000138.5 (MANE Select); coding-DNA position 4867, A replaced by G.
Protein change: p.Ile1623Val; replaces isoleucine 1623 with valine.
Molecular consequence: missense variant.
Genome position (GRCh38, 1-based): chr15:48,465,643, T>C on the plus strand (A>G on the coding strand, the complement: FBN1 is on the minus strand). VCF-style: chr15-48465643-T-C. GRCh37 (hg19) VCF-style: chr15-48757840-T-C.
Other names: c.4867A>G, p.Ile1623Val (NM_001406716.1); short protein forms I1623V.
Identifiers: ClinVar variation 4758460 (VCV004758460.1).
Genomic context (GRCh38, chr15:48,465,643, plus strand): 5'-TATCTTCATTCAGGTAGTAGCCGGTTGGACAGCGGCACTGGAAACTCCCAAAGGTGTTGA[T>C]ACATTTTCCTCCTTGGCACAGCCCTGGTAGCTCCTGGCACTCATCAATATCTATCAAAAT-3'
Protein context (NP_000129.3, residues 1613-1633): LPGLCQGGKC[Ile1623Val]NTFGSFQCRC

ClinVar aggregate classification (germline): Uncertain significance (1 of 4 stars; one submission).

Conditions:
Familial thoracic aortic aneurysm and aortic dissection (TAAD). Also called: Thoracic aortic aneurysms and dissections. Identifiers: Orphanet 91387, MedGen C4707243, MONDO:0019625.

gnomAD v4.1: 1 of 1,614,112 alleles (0.000062%); highest among the groups gnomAD compares: Non-Finnish European, 0.000085%; no homozygotes.

Submission:

Color Diagnostics, LLC DBA Color Health
Classification: Uncertain significance for Familial thoracic aortic aneurysm and aortic dissection. Last evaluated: 2025-04-24. Review status: criteria provided, single submitter. Criteria: ACMG Guidelines, 2015. Collection method: clinical testing. Allele origin: germline.
Comment: This missense variant replaces isoleucine with valine at codon 1623 of the FBN1 protein. Computational prediction suggests that this variant may not impact protein structure and function. To our knowledge, functional studies have not been reported for this variant. This variant has not been reported in individuals affected with FBN1-related disorders in the literature. This variant has been identified in 1/251344 chromosomes in the general population by the Genome Aggregation Database (gnomAD). The available evidence is insufficient to determine the role of this variant in disease conclusively. Therefore, this variant is classified as a Variant of Uncertain Significance.